The following is an entry in ClinVar:

NM_005559.4(LAMA1):c.2819A>T (p.Tyr940Phe)

Gene: LAMA1 (laminin subunit alpha 1; minus strand). Cytogenetic location: 18p11.31.
Variant type: single nucleotide variant.
Coding change: c.2819A>T on transcript NM_005559.4 (MANE Select); coding-DNA position 2819, A replaced by T.
Protein change: p.Tyr940Phe; replaces tyrosine 940 with phenylalanine.
Molecular consequence: missense variant.
Genome position (GRCh38, 1-based): chr18:7,016,661, T>A on the plus strand (A>T on the coding strand, the complement: LAMA1 is on the minus strand). VCF-style: chr18-7016661-T-A. GRCh37 (hg19) VCF-style: chr18-7016660-T-A.
Other names: short protein forms Y940F.
Identifiers: ClinVar variation 2104813 (VCV002104813.4), dbSNP rs1469002893, ClinGen allele CA401851067.

ClinVar aggregate classification (germline): Uncertain significance (1 of 4 stars; one submission).

Allele frequency attached by ClinVar (database versions not stated): gnomAD exomes below 0.00001.
gnomAD v4.1: 1 of 1,612,980 alleles (0.000062%); highest among the groups gnomAD compares: Admixed American, 0.0017%; no homozygotes.

Submission:

Labcorp Genetics (formerly Invitae), Labcorp
Classification: Uncertain significance. Last evaluated: 2022-04-12. Review status: criteria provided, single submitter. Criteria: Invitae Variant Classification Sherloc (09022015). Collection method: clinical testing. Allele origin: germline.
Comment: This sequence change replaces tyrosine, which is neutral and polar, with phenylalanine, which is neutral and non-polar, at codon 940 of the LAMA1 protein (p.Tyr940Phe). In summary, the available evidence is currently insufficient to determine the role of this variant in disease. Therefore, it has been classified as a Variant of Uncertain Significance. Algorithms developed to predict the effect of missense changes on protein structure and function output the following: SIFT: "Tolerated"; PolyPhen-2: "Benign"; Align-GVGD: "Class C0". The phenylalanine amino acid residue is found in multiple mammalian species, which suggests that this missense change does not adversely affect protein function. This variant has not been reported in the literature in individuals affected with LAMA1-related conditions. This variant is present in population databases (no rsID available, gnomAD 0.003%).